The following is an entry in ClinVar:

ClinVar aggregate classification (germline): Likely benign. Review status: criteria provided, multiple submitters, no conflicts (2 of 4 stars). 4 submissions from 4 submitters: Likely benign (4). Last evaluated 2025-10-01.

Conditions:
Hereditary cancer-predisposing syndrome. Also called: Hereditary neoplastic syndrome; Tumor predisposition; Neoplastic Syndromes, Hereditary; Hereditary Cancer Syndrome. Identifiers: Orphanet 140162, MedGen C0027672, MeSH D009386, MONDO:0015356.
Tuberous sclerosis 1 (TSC1). Identifiers: Orphanet 805, MedGen C1854465, MONDO:0008612, OMIM 191100.

gnomAD v4.1: 1 of 1,614,040 alleles (0.000062%); highest among the groups gnomAD compares: African/African-American, 0.0013%; no homozygotes.

Submissions (4):

Labcorp Genetics (formerly Invitae), Labcorp
Classification: Likely benign for Tuberous sclerosis 1. Last evaluated: 2025-10-01. Review status: criteria provided, single submitter. Criteria: Invitae Variant Classification Sherloc (09022015). Collection method: clinical testing. Allele origin: germline.

Ambry Genetics
Classification: Likely benign for Hereditary cancer-predisposing syndrome. Last evaluated: 2025-05-23. Review status: criteria provided, single submitter. Criteria: Ambry Variant Classification Scheme 2023. Collection method: clinical testing. Allele origin: germline.

Genome-Nilou Lab
Classification: Likely benign for Tuberous sclerosis 1. Last evaluated: 2021-11-07. Review status: criteria provided, single submitter. Criteria: ACMG Guidelines, 2015. Collection method: clinical testing. Allele origin: germline. Affected: no.

GeneDx
Classification: Likely benign. Last evaluated: 2016-02-12. Review status: criteria provided, single submitter. Criteria: GeneDx Variant Classification (06012015). Collection method: clinical testing. Allele origin: germline. Affected: yes.
Comment: This variant is considered likely benign or benign based on one or more of the following criteria: it is a conservative change, it occurs at a poorly conserved position in the protein, it is predicted to be benign by multiple in silico algorithms, and/or has population frequency not consistent with disease.

NM_000368.5(TSC1):c.2975+4G>C

Gene: TSC1 (TSC complex subunit 1; minus strand). Cytogenetic location: 9q34.13.
Variant type: single nucleotide variant.
Coding change: c.2975+4G>C on transcript NM_000368.5 (MANE Select); 4 bases into the intron after coding-DNA position 2975, G replaced by C.
Molecular consequence: intron variant.
Genome position (GRCh38, 1-based): chr9:132,897,180, C>G on the plus strand (G>C on the coding strand, the complement: TSC1 is on the minus strand). VCF-style: chr9-132897180-C-G. GRCh37 (hg19) VCF-style: chr9-135772567-C-G.
Other names: c.2612+4G>C (NM_001362177.2); c.2822+4G>C (NM_001162427.2); c.2972+4G>C (NM_001162426.2).
Identifiers: ClinVar variation 383683 (VCV000383683.17), dbSNP rs1057521710, ClinGen allele CA16606309.
Genomic context (GRCh38, chr9:132,897,180, plus strand): 5'-CACAGTCCTTATGCTGGAATTGGCAGCTTAGTCCCAAGGTCATGAATCAGTTCTTTGTTC[C>G]TACCTTTCTTCTGCTGCTTCAGCTGCTTCTGCTTTTTCTTCTTCAAGTTTTTTCAGGAGG-3'